The following is an entry in ClinVar:

ClinVar aggregate classification (germline): Conflicting classifications of pathogenicity. Review status: criteria provided, conflicting classifications (1 of 4 stars). 2 submissions from 2 submitters: Uncertain significance (1); Likely benign (1). Last evaluated 2025-12-22.

Conditions:
Primary dilated cardiomyopathy (DCM). Also called: Dilated Cardiomyopathy. Identifiers: Orphanet 217604, MedGen C0007193, MeSH D002311, MONDO:0005021, HP:0001644. Inheritance: Various modes of inheritance.

Allele frequency attached by ClinVar (database versions not stated): gnomAD exomes 0.00001; gnomAD 0.00007 and 0.00008; TOPMed 0.00008.
gnomAD v4.1: 20 of 1,402,784 alleles (0.0014%); highest among the groups gnomAD compares: African/African-American, 0.017%; no homozygotes.

Submissions (2):

Labcorp Genetics (formerly Invitae), Labcorp
Classification: Likely benign for Primary dilated cardiomyopathy. Last evaluated: 2025-12-22. Review status: criteria provided, single submitter. Criteria: Invitae Variant Classification Sherloc (09022015). Collection method: clinical testing. Allele origin: germline.

Laboratory for Molecular Medicine, Mass General Brigham Personalized Medicine
Classification: Uncertain significance. Last evaluated: 2017-12-15. Review status: criteria provided, single submitter. Criteria: LMM Criteria. Collection method: clinical testing. Allele origin: germline. Observed: 1 variant allele.
Comment: Variant classified as Uncertain Significance - Favor Benign. The c.259-13T>G var iant in NEBL has not been previously reported in individuals with cardiomyopathy . This variant has been identified in 2/17494 African chromosomes and 1/21470 La tin chromosomes by the Genome Aggregation Database (gnomAD; dnSNP rs 923819811). This variant is located in the 5' splice regi on. Computational tools do not suggest an impact to splicing. However, this info rmation is not predictive enough to rule out pathogenicity. In summary, the cli nical significance of the c.259-13T>G variant is uncertain. ACMG/AMP Criteria ap plied: PM2; BP4.

NM_006393.3(NEBL):c.259-13T>G

Gene: NEBL (nebulette; minus strand). Cytogenetic location: 10p12.31.
Variant type: single nucleotide variant.
Coding change: c.259-13T>G on transcript NM_006393.3 (MANE Select); 13 bases into the intron before coding-DNA position 259, T replaced by G.
Molecular consequence: intron variant.
Genome position (GRCh38, 1-based): chr10:20,888,220, A>C on the plus strand (T>G on the coding strand, the complement: NEBL is on the minus strand). VCF-style: chr10-20888220-A-C. GRCh37 (hg19) VCF-style: chr10-21177149-A-C.
Other names: c.249+73452T>G (NM_001377326.1, NM_001377327.1, NM_001377328.1); c.357+73452T>G (NM_213569.2, NM_001173484.2, NM_001377322.1); c.300+73452T>G (NM_001377324.1); c.291+73452T>G (NM_001377325.1); c.309+73452T>G (NM_001377323.1).
Identifiers: ClinVar variation 506239 (VCV000506239.13), dbSNP rs923819811, ClinGen allele CA204171553.
Genomic context (GRCh38, chr10:20,888,220, plus strand): 5'-ATAAAGAGAATTAGAAAGGTCAGCTTTAATGGTGCCTTTGTATTTTGCCTGGGGGAAAAA[A>C]AAACAGGAAAAAAATAAATAAATAAACTTCCATTTTTTTAAACTGTGATTATAAGTAGAA-3'